The following is an entry in ClinVar:

NM_020247.5(COQ8A):c.1315dup (p.Ser439fs)

Gene: COQ8A (coenzyme Q8A; plus strand). Cytogenetic location: 1q42.13.
Variant type: Duplication.
Coding change: c.1315dup on transcript NM_020247.5 (MANE Select); coding-DNA position 1315, one base duplicated (A; older notation c.1315dupA).
Protein change: p.Ser439fs; shifts the reading frame from serine 439.
Molecular consequence: frameshift variant.
Genome position (GRCh38, 1-based): chr1:226,984,152, A duplicated. VCF-style (leftmost placement, unchanged base first): chr1-226984151-C-CA. GRCh37 (hg19) VCF-style: chr1-227171852-C-CA.
Other names: short protein forms S439fs.
Identifiers: ClinVar variation 2875719 (VCV002875719.3), dbSNP rs781548895, ClinGen allele CA1425436.

ClinVar aggregate classification (germline): Pathogenic/Likely pathogenic. Review status: criteria provided, multiple submitters, no conflicts (2 of 4 stars). 2 submissions from 2 submitters: Pathogenic (1); Likely pathogenic (1). Last evaluated 2025-08-26.

Conditions:
Autosomal recessive ataxia due to ubiquinone deficiency. Also called: Coenzyme Q10 deficiency, primary, 4; SPINOCEREBELLAR ATAXIA, AUTOSOMAL RECESSIVE 9. Identifiers: Orphanet 139485, MedGen C2677589, MONDO:0012784, OMIM 612016.

Allele frequency attached by ClinVar (database versions not stated): gnomAD exomes below 0.00001; ExAC 0.00001; gnomAD 0.00003; TOPMed 0.00003; ESP Exome Variant Server 0.00008.

Submissions (2):

Variantyx, Inc.
Classification: Likely pathogenic for Autosomal recessive ataxia due to ubiquinone deficiency. Last evaluated: 2025-08-26. Review status: criteria provided, single submitter. Criteria: Variantyx Assertion Criteria 2022. Collection method: clinical testing. Allele origin: germline. Inheritance: Autosomal recessive inheritance. Affected: yes.
Comment: This is a frameshift variant in the COQ8A gene (OMIM: 606980). Pathogenic variants in this gene have been associated with autosomal recessive primary coenzyme Q10 deficiency 4. This variant introduces a premature termination codon in exon 11 out of 15 and is expected to result in loss of function, which is a known disease mechanism for COQ8A in this disorder (PMID: 18319074) (PVS1). This variant has a 0.0087% maximum allele frequency in non-founder control populations (PM2). Based on the current evidence, this variant is classified as likely pathogenic for autosomal recessive primary coenzyme Q10 deficiency 4.

Labcorp Genetics (formerly Invitae), Labcorp
Classification: Pathogenic. Last evaluated: 2023-10-04. Review status: criteria provided, single submitter. Criteria: Invitae Variant Classification Sherloc (09022015). Collection method: clinical testing. Allele origin: germline.
Comment: This sequence change creates a premature translational stop signal (p.Ser439Lysfs*59) in the COQ8A gene. It is expected to result in an absent or disrupted protein product. Loss-of-function variants in COQ8A are known to be pathogenic (PMID: 18319074, 20580948). This variant is not present in population databases (gnomAD no frequency). This variant has not been reported in the literature in individuals affected with COQ8A-related conditions. For these reasons, this variant has been classified as Pathogenic.

Literature cited by the submitters: PubMed 18319074 (cited by Variantyx, Inc. and Labcorp Genetics (formerly Invitae), Labcorp); PubMed 20580948 (cited by Labcorp Genetics (formerly Invitae), Labcorp).